The following is an entry in ClinVar:

NM_000038.6(APC):c.6690G>C (p.Met2230Ile)

Gene: APC (APC regulator of Wnt signaling pathway; plus strand). Cytogenetic location: 5q22.2.
Variant type: single nucleotide variant.
Coding change: c.6690G>C on transcript NM_000038.6 (MANE Select); coding-DNA position 6690, G replaced by C.
Protein change: p.Met2230Ile; replaces methionine 2230 with isoleucine.
Molecular consequence: missense variant.
Genome position (GRCh38, 1-based): chr5:112,842,284, G>C. VCF-style: chr5-112842284-G-C. GRCh37 (hg19) VCF-style: chr5-112177981-G-C.
Other names: c.6690G>C, p.Met2230Ile (NM_001127510.3, NM_001354895.2, NM_001407450.1); c.6636G>C, p.Met2212Ile (NM_001127511.3); c.6744G>C, p.Met2248Ile (NM_001354896.2, NM_001407447.1, NM_001407448.1 and 1 more transcripts); c.6720G>C, p.Met2240Ile (NM_001354897.2); c.6615G>C, p.Met2205Ile (NM_001354898.2); c.6606G>C, p.Met2202Ile (NM_001354899.2); c.6567G>C, p.Met2189Ile (NM_001354900.2); c.6513G>C, p.Met2171Ile (NM_001354901.2, NM_001407453.1); and 11 more; short protein forms M2212I, M2220I, M2240I, M2070I, M2101I, M2129I, M2171I, M2189I.
Identifiers: ClinVar variation 1997169 (VCV001997169.4), dbSNP rs2149970762, ClinGen allele CA16035956.

ClinVar aggregate classification (germline): Uncertain significance (1 of 4 stars; one submission).

Conditions:
Familial adenomatous polyposis 1 (FAP1). Also called: FAMILIAL ADENOMATOUS POLYPOSIS 1, ATTENUATED; POLYPOSIS, ADENOMATOUS INTESTINAL. Identifiers: MedGen C2713442, MONDO:0021056, OMIM 175100. Disease mechanism: loss of function.

Submission:

Labcorp Genetics (formerly Invitae), Labcorp
Classification: Uncertain significance for Familial adenomatous polyposis 1. Last evaluated: 2022-05-20. Review status: criteria provided, single submitter. Criteria: Invitae Variant Classification Sherloc (09022015). Collection method: clinical testing. Allele origin: germline.
Comment: This variant is not present in population databases (gnomAD no frequency). In summary, the available evidence is currently insufficient to determine the role of this variant in disease. Therefore, it has been classified as a Variant of Uncertain Significance. Algorithms developed to predict the effect of missense changes on protein structure and function are either unavailable or do not agree on the potential impact of this missense change (SIFT: "Deleterious"; PolyPhen-2: "Probably Damaging"; Align-GVGD: "Class C0"). This variant has not been reported in the literature in individuals affected with APC-related conditions. This sequence change replaces methionine, which is neutral and non-polar, with isoleucine, which is neutral and non-polar, at codon 2230 of the APC protein (p.Met2230Ile).